The following is an entry in ClinVar:

ClinVar aggregate classification (germline): Likely benign (0 of 4 stars; one submission).

Conditions:
EPPK1-related disorder. Also called: EPPK1-related condition.

Allele frequency attached by ClinVar (database versions not stated): TOPMed below 0.00001; ExAC 0.00001; gnomAD 0.00001; gnomAD exomes 0.00001.
gnomAD v4.1: 17 of 1,613,580 alleles (0.0011%); highest among the groups gnomAD compares: South Asian, 0.0033%; no homozygotes.

Submission:

PreventionGenetics, part of Exact Sciences
Classification: Likely benign for EPPK1-related condition. Last evaluated: 2023-04-02. Review status: no assertion criteria provided. Collection method: clinical testing. Allele origin: germline.
Comment: This variant is classified as likely benign based on ACMG/AMP sequence variant interpretation guidelines (Richards et al. 2015 PMID: 25741868, with internal and published modifications).

NM_031308.4(EPPK1):c.5496C>G (p.Thr1832=)

Gene: EPPK1 (epiplakin 1; minus strand). Cytogenetic location: 8q24.3.
Variant type: single nucleotide variant.
Coding change: c.5496C>G on transcript NM_031308.4 (MANE Select); coding-DNA position 5496, C replaced by G.
Protein change: p.Thr1832=; no amino-acid change (threonine 1832 retained).
Molecular consequence: synonymous variant.
Genome position (GRCh38, 1-based): chr8:143,867,758, G>C on the plus strand (C>G on the coding strand, the complement: EPPK1 is on the minus strand). VCF-style: chr8-143867758-G-C. GRCh37 (hg19) VCF-style: chr8-144941926-G-C.
Identifiers: ClinVar variation 3036789 (VCV003036789.2), dbSNP rs782230047, ClinGen allele CA4922117.